The following is an entry in ClinVar:

ClinVar aggregate classification (germline): Uncertain significance. Review status: criteria provided, multiple submitters, no conflicts (2 of 4 stars). 2 submissions from 2 submitters: Uncertain significance (2). Last evaluated 2025-08-16.

Conditions:
RRAS2-related disorder. Also called: RRAS2-related condition.

Allele frequency attached by ClinVar (database versions not stated): TOPMed below 0.00001; gnomAD exomes 0.00001.
gnomAD v4.1: 15 of 1,613,778 alleles (0.00093%); highest among the groups gnomAD compares: Non-Finnish European, 0.0013%; no homozygotes.

Submissions (2):

PreventionGenetics, part of Exact Sciences
Classification: Uncertain significance for RRAS2-related condition. Last evaluated: 2025-08-16. Review status: criteria provided, single submitter. Criteria: ACMG Guidelines, 2015. Collection method: clinical testing. Allele origin: germline.
Comment: The RRAS2 c.271T>A variant is predicted to result in the amino acid substitution p.Leu91Met. To our knowledge, this variant has not been reported in the literature. This variant is reported in 0.00088% of alleles in individuals of European (Non-Finnish) descent in gnomAD. At this time, the clinical significance of this variant is uncertain due to the absence of conclusive functional and genetic evidence.

Labcorp Genetics (formerly Invitae), Labcorp
Classification: Uncertain significance. Last evaluated: 2022-06-05. Review status: criteria provided, single submitter. Criteria: Invitae Variant Classification Sherloc (09022015). Collection method: clinical testing. Allele origin: germline.
Comment: In summary, the available evidence is currently insufficient to determine the role of this variant in disease. Therefore, it has been classified as a Variant of Uncertain Significance. Algorithms developed to predict the effect of missense changes on protein structure and function are either unavailable or do not agree on the potential impact of this missense change (SIFT: "Deleterious"; PolyPhen-2: "Probably Damaging"; Align-GVGD: "Class C0"). This variant has not been reported in the literature in individuals affected with RRAS2-related conditions. This variant is present in population databases (no rsID available, gnomAD 0.0009%). This sequence change replaces leucine, which is neutral and non-polar, with methionine, which is neutral and non-polar, at codon 91 of the RRAS2 protein (p.Leu91Met).

NM_012250.6(RRAS2):c.271T>A (p.Leu91Met)

Gene: RRAS2 (RAS related 2; minus strand). Cytogenetic location: 11p15.2.
Variant type: single nucleotide variant.
Coding change: c.271T>A on transcript NM_012250.6 (MANE Select); coding-DNA position 271, T replaced by A.
Protein change: p.Leu91Met; replaces leucine 91 with methionine.
Molecular consequence: missense variant.
Genome position (GRCh38, 1-based): chr11:14,294,788, A>T on the plus strand (T>A on the coding strand, the complement: RRAS2 is on the minus strand). VCF-style: chr11-14294788-A-T. GRCh37 (hg19) VCF-style: chr11-14316334-A-T.
Other names: c.271T>A (NM_012250.5); c.40T>A, p.Leu14Met (NM_001102669.3, NM_001177315.2); c.166T>A, p.Leu56Met (NM_001177314.2); short protein forms L14M, L56M, L91M.
Identifiers: ClinVar variation 1941783 (VCV001941783.6), dbSNP rs1554946329, ClinGen allele CA379860391.